The following is an entry in ClinVar:

NM_007055.4(POLR3A):c.3385C>T (p.Leu1129Phe)

Gene: POLR3A (RNA polymerase III subunit A; minus strand). Cytogenetic location: 10q22.3.
Variant type: single nucleotide variant.
Coding change: c.3385C>T on transcript NM_007055.4 (MANE Select); coding-DNA position 3385, C replaced by T.
Protein change: p.Leu1129Phe; replaces leucine 1129 with phenylalanine.
Molecular consequence: missense variant.
Genome position (GRCh38, 1-based): chr10:77,983,964, G>A on the plus strand (C>T on the coding strand, the complement: POLR3A is on the minus strand). VCF-style: chr10-77983964-G-A. GRCh37 (hg19) VCF-style: chr10-79743722-G-A.
Other names: short protein forms L1129F.
Identifiers: ClinVar variation 1378568 (VCV001378568.6), dbSNP rs2131929366, ClinGen allele CA377329143.

ClinVar aggregate classification (germline): Uncertain significance (1 of 4 stars; one submission).

Submission:

Labcorp Genetics (formerly Invitae), Labcorp
Classification: Uncertain significance. Last evaluated: 2022-03-22. Review status: criteria provided, single submitter. Criteria: Invitae Variant Classification Sherloc (09022015). Collection method: clinical testing. Allele origin: germline.
Comment: In summary, the available evidence is currently insufficient to determine the role of this variant in disease. Therefore, it has been classified as a Variant of Uncertain Significance. Algorithms developed to predict the effect of missense changes on protein structure and function are either unavailable or do not agree on the potential impact of this missense change (SIFT: "Tolerated"; PolyPhen-2: "Possibly Damaging"; Align-GVGD: "Class C0"). This variant has not been reported in the literature in individuals affected with POLR3A-related conditions. This variant is not present in population databases (gnomAD no frequency). This sequence change replaces leucine, which is neutral and non-polar, with phenylalanine, which is neutral and non-polar, at codon 1129 of the POLR3A protein (p.Leu1129Phe).